The following is an entry in ClinVar:

ClinVar aggregate classification (germline): Likely pathogenic. Review status: criteria provided, single submitter (1 of 4 stars). 2 submissions from 2 submitters: Likely pathogenic (1). 1 of the submissions does not count toward it. Last evaluated 2024-06-10.

Conditions:
Hereditary hyperinsulinism.
Hyperinsulinemic hypoglycemia, familial, 1 (HHF1). Also called: Persistent hyperinsulinemic hypoglycemia of infancy; Persistent Hyperinsulinemia Hypoglycemia of Infancy; NESIDIOBLASTOSIS OF PANCREAS; HYPERINSULINISM, FAMILIAL, WITH PANCREATIC NESIDIOBLASTOSIS; HYPOGLYCEMIA, HYPERINSULINEMIC, OF INFANCY. Identifiers: Orphanet 276575, Orphanet 276598, MedGen C2931832, MONDO:0009734, OMIM 256450.

Submissions (2):

Natera, Inc.
Classification: Likely pathogenic for Hereditary hyperinsulinism. Last evaluated: 2024-06-10. Review status: criteria provided, single submitter. Criteria: Natera Variant Classification Schema (03/2026). Collection method: clinical testing. Allele origin: germline.
Comment: The c.692G>A variant in ABCC8 is a nonsense variant predicted to introduce a stop codon at amino acid 231. This variant is expected to result in nonsense mediated decay, truncation, or a dysfunctional protein product. This variant is rare in the general population with a frequency below the threshold expected for the associated phenotype(s). Given the available evidence, this variant is classified as Likely Pathogenic.

Counsyl
Classification: Likely pathogenic for Hyperinsulinemic hypoglycemia, familial, 1. Last evaluated: 2016-08-12. Review status: no assertion criteria provided. Collection method: clinical testing. Allele origin: unknown. Not counted in ClinVar's aggregate classification.

Literature cited by the submitters: PubMed 26545876 (cited by Counsyl).

NM_000352.6(ABCC8):c.692G>A (p.Trp231Ter)

Gene: ABCC8 (ATP binding cassette subfamily C member 8; minus strand). Cytogenetic location: 11p15.1.
Variant type: single nucleotide variant.
Coding change: c.692G>A on transcript NM_000352.6 (MANE Select); coding-DNA position 692, G replaced by A.
Protein change: p.Trp231Ter; replaces tryptophan 231 with a stop codon.
Molecular consequence: nonsense. On other transcripts: non-coding transcript variant (1).
Genome position (GRCh38, 1-based): chr11:17,461,713, C>T on the plus strand (G>A on the coding strand, the complement: ABCC8 is on the minus strand). VCF-style: chr11-17461713-C-T. GRCh37 (hg19) VCF-style: chr11-17483260-C-T.
Other names: c.692G>A, p.Trp231Ter (NM_001287174.3, NM_001351295.2, NM_001351296.2 and 1 more transcripts); c.692G>A (NM_000352.4); short protein forms W231*.
Identifiers: ClinVar variation 371267 (VCV000371267.4), dbSNP rs1057517139, ClinGen allele CA16041456.
Genomic context (GRCh38, chr11:17,461,713, plus strand): 5'-CCGATGGCTCGCAAGTCGATGGGCTTCTTGTGGGCAGTCTTGATGAAGGCGTTCATCCAC[C>T]AGTAGGTGCCTTTGGACAGCAGATTCACGAAGGGCTGCAGGAAGCGTACCCCCAGGTCTT-3'